The following is an entry in ClinVar:

NM_024529.5(CDC73):c.892T>G (p.Phe298Val)

Gene: CDC73 (cell division cycle 73; plus strand). Cytogenetic location: 1q31.2.
Variant type: single nucleotide variant.
Coding change: c.892T>G on transcript NM_024529.5 (MANE Select); coding-DNA position 892, T replaced by G.
Protein change: p.Phe298Val; replaces phenylalanine 298 with valine.
Molecular consequence: missense variant.
Genome position (GRCh38, 1-based): chr1:193,150,367, T>G. VCF-style: chr1-193150367-T-G. GRCh37 (hg19) VCF-style: chr1-193119497-T-G.
Other names: c.892T>G (NM_024529.4); short protein forms F298V.
Identifiers: ClinVar variation 1017078 (VCV001017078.10), dbSNP rs1676084476, ClinGen allele CA343965161.

ClinVar aggregate classification (germline): Uncertain significance. Review status: criteria provided, multiple submitters, no conflicts (2 of 4 stars). 2 submissions from 2 submitters: Uncertain significance (2). Last evaluated 2024-10-17.

Conditions:
Hereditary cancer-predisposing syndrome. Also called: Tumor predisposition; Neoplastic Syndromes, Hereditary; Hereditary neoplastic syndrome; Hereditary Cancer Syndrome. Identifiers: Orphanet 140162, MedGen C0027672, MeSH D009386, MONDO:0015356.
Parathyroid carcinoma (PRTC). Also called: CDC73-Related Parathyroid Carcinoma; Parathyroid gland carcinoma. Identifiers: Orphanet 143, MedGen C0687150, MONDO:0012004, OMIM 608266, HP:0006780.

Submissions (2):

Ambry Genetics
Classification: Uncertain significance for Hereditary cancer-predisposing syndrome. Last evaluated: 2024-10-17. Review status: criteria provided, single submitter. Criteria: Ambry Variant Classification Scheme 2023. Collection method: clinical testing. Allele origin: germline.
Comment: The p.F298V variant (also known as c.892T>G), located in coding exon 9 of the CDC73 gene, results from a T to G substitution at nucleotide position 892. The phenylalanine at codon 298 is replaced by valine, an amino acid with highly similar properties. This amino acid position is conserved. In addition, the in silico prediction for this alteration is inconclusive. Based on the available evidence, the clinical significance of this variant remains unclear.

Labcorp Genetics (formerly Invitae), Labcorp
Classification: Uncertain significance for Parathyroid carcinoma. Last evaluated: 2021-07-14. Review status: criteria provided, single submitter. Criteria: Invitae Variant Classification Sherloc (09022015). Collection method: clinical testing. Allele origin: germline.
Comment: This sequence change replaces phenylalanine with valine at codon 298 of the CDC73 protein (p.Phe298Val). The phenylalanine residue is highly conserved and there is a small physicochemical difference between phenylalanine and valine. This variant is not present in population databases (ExAC no frequency). This variant has not been reported in the literature in individuals affected with CDC73-related conditions. ClinVar contains an entry for this variant (Variation ID: 1017078). Algorithms developed to predict the effect of missense changes on protein structure and function are either unavailable or do not agree on the potential impact of this missense change (SIFT: "Deleterious"; PolyPhen-2: "Probably Damaging"; Align-GVGD: "Class C0"). In summary, the available evidence is currently insufficient to determine the role of this variant in disease. Therefore, it has been classified as a Variant of Uncertain Significance.